The following is an entry in ClinVar:

ClinVar aggregate classification (germline): Uncertain significance (1 of 4 stars; one submission).

Submission:

Labcorp Genetics (formerly Invitae), Labcorp
Classification: Uncertain significance. Last evaluated: 2022-03-15. Review status: criteria provided, single submitter. Criteria: Invitae Variant Classification Sherloc (09022015). Collection method: clinical testing. Allele origin: germline.
Comment: In summary, the available evidence is currently insufficient to determine the role of this variant in disease. Therefore, it has been classified as a Variant of Uncertain Significance. Experimental studies and prediction algorithms are not available or were not evaluated, and the functional significance of this variant is currently unknown. A similar copy number variant has been observed in individual(s) with skeletal abnormalities (including acro-osteolysis, cortical irregularity of long bones and metadiaphyseal enchondromata) (PMID: 25007883, 26733284). This variant results in a copy number gain of the genomic region encompassing exon(s) 2-5 of the PTHLH gene. This region includes the initiator codon of the gene. This copy number gain extends beyond the assayed region for this gene and therefore may encompass additional genes. As the precise location of this event is unknown, it may be in tandem or it may be located elsewhere in the genome.

Literature cited by the submitters: PubMed 25007883; PubMed 26733284.

NC_000012.11:g.(?_27869224)_(28123052_?)dup

Genes: KLHL42 (kelch like family member 42; plus strand), MANSC4 (MANSC domain containing 4; minus strand), MRPS35 (mitochondrial ribosomal protein S35; plus strand), PTHLH (parathyroid hormone like hormone; minus strand). Cytogenetic location: 12p11.22.
Variant type: Duplication.
Identifiers: ClinVar variation 2427662 (VCV002427662.4).